The following is an entry in ClinVar:

ClinVar aggregate classification (germline): Likely pathogenic (1 of 4 stars; one submission).

Conditions:
Niemann-Pick disease, type C1. Also called: NEUROVISCERAL STORAGE DISEASE WITH VERTICAL SUPRANUCLEAR OPHTHALMOPLEGIA; NIEMANN-PICK DISEASE WITH CHOLESTEROL ESTERIFICATION BLOCK; NIEMANN-PICK DISEASE WITHOUT SPHINGOMYELINASE DEFICIENCY; NIEMANN-PICK DISEASE, CHRONIC NEURONOPATHIC FORM; NIEMANN-PICK DISEASE, VARIANT TYPE C1. Identifiers: Orphanet 646, MedGen C3179455, MONDO:0009757, OMIM 257220.

Allele frequency attached by ClinVar (database versions not stated): gnomAD exomes below 0.00001.
gnomAD v4.1: 1 of 1,614,152 alleles (0.000062%); highest among the groups gnomAD compares: Non-Finnish European, 0.000085%; no homozygotes.

Submission:

Labcorp Genetics (formerly Invitae), Labcorp
Classification: Likely pathogenic for Niemann-Pick disease, type C1. Last evaluated: 2023-02-28. Review status: criteria provided, single submitter. Criteria: Invitae Variant Classification Sherloc (09022015). Collection method: clinical testing. Allele origin: germline.
Comment: In summary, the currently available evidence indicates that the variant is pathogenic, but additional data are needed to prove that conclusively. Therefore, this variant has been classified as Likely Pathogenic. Advanced modeling of protein sequence and biophysical properties (such as structural, functional, and spatial information, amino acid conservation, physicochemical variation, residue mobility, and thermodynamic stability) performed at Invitae indicates that this missense variant is expected to disrupt NPC1 protein function. This missense change has been observed in individual(s) with Niemann-Pick disease type C (PMID: 11545687). This variant is not present in population databases (gnomAD no frequency). This sequence change replaces glycine, which is neutral and non-polar, with aspartic acid, which is acidic and polar, at codon 1012 of the NPC1 protein (p.Gly1012Asp).

Literature cited by the submitters: PubMed 11545687.

NM_000271.5(NPC1):c.3035G>A (p.Gly1012Asp)

Gene: NPC1 (NPC intracellular cholesterol transporter 1; minus strand). Cytogenetic location: 18q11.2.
Variant type: single nucleotide variant.
Coding change: c.3035G>A on transcript NM_000271.5 (MANE Select); coding-DNA position 3035, G replaced by A.
Protein change: p.Gly1012Asp; replaces glycine 1012 with aspartic acid.
Molecular consequence: missense variant.
Genome position (GRCh38, 1-based): chr18:23,538,548, C>T on the plus strand (G>A on the coding strand, the complement: NPC1 is on the minus strand). VCF-style: chr18-23538548-C-T. GRCh37 (hg19) VCF-style: chr18-21118512-C-T.
Other names: short protein forms G1012D.
Identifiers: ClinVar variation 2736701 (VCV002736701.3), dbSNP rs2511204987, ClinGen allele CA401792086.
Genomic context (GRCh38, chr18:23,538,548, plus strand): 5'-TACTGCAAATTAAAGTTGCAGTGGATGCTTATCTGCAATGGCAGCAGCACTTACCCTTTG[C>T]CACACTTGGGGTTAGGGTTATCCGAAAGGAACATGGGCAGGAATCTCATGAAGTCTCCCC-3'
Protein context (NP_000262.2, residues 1002-1022): FLSDNPNPKC[Gly1012Asp]KGGHAAYSSA